The following is an entry in ClinVar:

NM_000666.3(ACY1):c.69C>G (p.Arg23=)

Genes: ABHD14A-ACY1 (ABHD14A-ACY1 readthrough; plus strand), ACY1 (aminoacylase 1; plus strand). Cytogenetic location: 3p21.2.
Variant type: single nucleotide variant.
Coding change: c.69C>G on transcript NM_000666.3 (MANE Select); coding-DNA position 69, C replaced by G.
Protein change: p.Arg23=; no amino-acid change (arginine 23 retained).
Molecular consequence: synonymous variant.
Genome position (GRCh38, 1-based): chr3:51,984,133, C>G. VCF-style: chr3-51984133-C-G. GRCh37 (hg19) VCF-style: chr3-52018149-C-G.
Other names: p.Arg23=; c.339C>G, p.Arg113= (NM_001316331.2); c.69C>G, p.Arg23= (NM_001198895.2, NM_001198896.2, NM_001198897.2 and 1 more transcripts).
Identifiers: ClinVar variation 773443 (VCV000773443.44), dbSNP rs34017492, ClinGen allele CA2428328.

ClinVar aggregate classification (germline): Benign/Likely benign. Review status: criteria provided, multiple submitters, no conflicts (2 of 4 stars). 4 submissions from 4 submitters: Benign (2); Likely benign (2). Last evaluated 2026-09-01.

Allele frequency attached by ClinVar (database versions not stated): 1000 Genomes Project 0.00200; 1000 Genomes Project 30x 0.00219; TOPMed 0.00260; ExAC 0.00281; gnomAD 0.00284 and 0.00285; gnomAD exomes 0.00310; ESP Exome Variant Server 0.00354.

Submissions (4):

CeGaT Center for Human Genetics Tuebingen
Classification: Likely benign. Last evaluated: 2026-09-01. Review status: criteria provided, single submitter. Criteria: CeGaT Center For Human Genetics Tuebingen Variant Classification Criteria Version 2. Collection method: clinical testing. Allele origin: germline. Affected: yes. Observed: 11 variant alleles.
Comment: ACY1: BP4, BP7, BS2; ABHD14A-ACY1: BP4, BP7, BS2

Labcorp Genetics (formerly Invitae), Labcorp
Classification: Benign. Last evaluated: 2026-01-25. Review status: criteria provided, single submitter. Criteria: Invitae Variant Classification Sherloc (09022015). Collection method: clinical testing. Allele origin: germline.

Mayo Clinic Laboratories, Mayo Clinic
Classification: Benign. Last evaluated: 2018-12-26. Review status: criteria provided, single submitter. Criteria: ACMG Guidelines, 2015. Collection method: clinical testing. Allele origin: germline. Observed: 13 variant alleles.

Breakthrough Genomics
Classification: Likely benign. Review status: criteria provided, single submitter. Criteria: ACMG Guidelines, 2015. Collection method: not provided. Allele origin: germline. Inheritance: Autosomal recessive inheritance. Affected: yes.